The following is an entry in ClinVar:

ClinVar aggregate classification (germline): Uncertain significance (1 of 4 stars; one submission).

Conditions:
Hereditary cancer-predisposing syndrome. Also called: Neoplastic Syndromes, Hereditary; Tumor predisposition; Hereditary neoplastic syndrome; Hereditary Cancer Syndrome. Identifiers: Orphanet 140162, MedGen C0027672, MeSH D009386, MONDO:0015356.

Submission:

Ambry Genetics
Classification: Uncertain significance for Hereditary cancer-predisposing syndrome. Last evaluated: 2026-07-02. Review status: criteria provided, single submitter. Criteria: Ambry Variant Classification Scheme 2023. Collection method: clinical testing. Allele origin: germline.
Comment: The p.G7A variant (also known as c.20G>C), located in coding exon 1 of the RET gene, results from a G to C substitution at nucleotide position 20. The glycine at codon 7 is replaced by alanine, an amino acid with similar properties. This amino acid position is conserved. In addition, the in silico prediction for this alteration is inconclusive. Based on the available evidence, the clinical significance of this variant remains unclear.

NM_020975.6(RET):c.20G>C (p.Gly7Ala)

Genes: RET (ret proto-oncogene; plus strand), LOC106736614 (RET 5' regulatory region; plus strand). Cytogenetic location: 10q11.21.
Variant type: single nucleotide variant.
Coding change: c.20G>C on transcript NM_020975.6 (MANE Select); coding-DNA position 20, G replaced by C.
Protein change: p.Gly7Ala; replaces glycine 7 with alanine.
Molecular consequence: missense variant.
Genome position (GRCh38, 1-based): chr10:43,077,278, G>C. VCF-style: chr10-43077278-G-C. GRCh37 (hg19) VCF-style: chr10-43572726-G-C.
Other names: c.20G>C, p.Gly7Ala (NM_001406780.1, NM_001406781.1, NM_001406782.1 and 36 more transcripts); short protein forms G7A.
Identifiers: ClinVar variation 5028153 (VCV005028153.1).